The following is an entry in ClinVar:

ClinVar aggregate classification (germline): Uncertain significance (1 of 4 stars; one submission).

Allele frequency attached by ClinVar (database versions not stated): gnomAD exomes below 0.00001; ExAC 0.00001.
gnomAD v4.1: 2 of 1,608,132 alleles (0.00012%); highest among the groups gnomAD compares: East Asian, 0.0022%; no homozygotes.

Submission:

Labcorp Genetics (formerly Invitae), Labcorp
Classification: Uncertain significance. Last evaluated: 2025-10-11. Review status: criteria provided, single submitter. Criteria: Invitae Variant Classification Sherloc (09022015). Collection method: clinical testing. Allele origin: germline.
Comment: This sequence change replaces isoleucine, which is neutral and non-polar, with threonine, which is neutral and polar, at codon 1012 of the DSG1 protein (p.Ile1012Thr). This variant is present in population databases (rs777952219, gnomAD 0.01%). This variant has not been reported in the literature in individuals affected with DSG1-related conditions. ClinVar contains an entry for this variant (Variation ID: 2790011). An algorithm developed to predict the effect of missense changes on protein structure and function outputs the following: PolyPhen-2: "Possibly Damaging". The threonine amino acid residue is found in multiple mammalian species, which suggests that this missense change does not adversely affect protein function. In summary, the available evidence is currently insufficient to determine the role of this variant in disease. Therefore, it has been classified as a Variant of Uncertain Significance.

NM_001942.4(DSG1):c.3035T>C (p.Ile1012Thr)

Genes: DSG1 (desmoglein 1; plus strand), DSG1-AS1 (DSG1 antisense RNA 1; minus strand). Cytogenetic location: 18q12.1.
Variant type: single nucleotide variant.
Coding change: c.3035T>C on transcript NM_001942.4 (MANE Select); coding-DNA position 3035, T replaced by C.
Protein change: p.Ile1012Thr; replaces isoleucine 1012 with threonine.
Molecular consequence: missense variant.
Genome position (GRCh38, 1-based): chr18:31,355,231, T>C. VCF-style: chr18-31355231-T-C. GRCh37 (hg19) VCF-style: chr18-28935194-T-C.
Other names: short protein forms I1012T.
Identifiers: ClinVar variation 2790011 (VCV002790011.3), dbSNP rs777952219, ClinGen allele CA8926504.